The following is an entry in ClinVar:

ClinVar aggregate classification (germline): Uncertain significance (1 of 4 stars; one submission).

Submission:

GeneDx
Classification: Uncertain significance. Last evaluated: 2026-08-14. Review status: criteria provided, single submitter. Criteria: GeneDx Variant Classification Process June 2021. Collection method: clinical testing. Allele origin: germline.
Comment: Reported previously in a patient with a clinical phenotype suggestive of hereditary neuropathy; however, no specific clinical information was provided (PMID: 42476530); Reported previously in two families from the Inherited Neuropathy Consortium Rare Disease Clinical Research Network (PMID: 40488457); Not observed at significant frequency in large population cohorts (gnomAD); In silico analysis supports that this missense variant has a deleterious effect on protein structure/function; This variant is associated with the following publications: (PMID: 42476530, 40488457)

NM_000304.4(PMP22):c.337G>C (p.Ala113Pro)

Gene: PMP22 (peripheral myelin protein 22; minus strand). Cytogenetic location: 17p12.
Variant type: single nucleotide variant.
Coding change: c.337G>C on transcript NM_000304.4 (MANE Select); coding-DNA position 337, G replaced by C.
Protein change: p.Ala113Pro; replaces alanine 113 with proline.
Molecular consequence: missense variant. On other transcripts: non-coding transcript variant (2).
Genome position (GRCh38, 1-based): chr17:15,231,063, C>G on the plus strand (G>C on the coding strand, the complement: PMP22 is on the minus strand). VCF-style: chr17-15231063-C-G. GRCh37 (hg19) VCF-style: chr17-15134380-C-G.
Other names: c.337G>C, p.Ala113Pro (NM_001281455.2, NM_001281456.2, NM_153321.3 and 1 more transcripts); short protein forms A113P.
Identifiers: ClinVar variation 1723524 (VCV001723524.4), dbSNP rs1460602770, ClinGen allele CA398739798.